The following is an entry in ClinVar:

NM_000996.4(RPL35A):c.301A>G (p.Ile101Val)

Genes: DRC9 (dynein regulatory complex subunit 9; minus strand), RPL35A (ribosomal protein L35a; plus strand). Cytogenetic location: 3q29.
Variant type: single nucleotide variant.
Coding change: c.301A>G on transcript NM_000996.4 (MANE Select); coding-DNA position 301, A replaced by G.
Protein change: p.Ile101Val; replaces isoleucine 101 with valine.
Molecular consequence: missense variant. On other transcripts: intron variant (3).
Genome position (GRCh38, 1-based): chr3:197,954,139, A>G. VCF-style: chr3-197954139-A-G. GRCh37 (hg19) VCF-style: chr3-197681010-A-G.
Other names: c.301A>G, p.Ile101Val (NM_001316311.2); c.-50+5390T>C (NM_001323028.2); c.-60+5390T>C (NM_032263.5); c.-375+5390T>C (NM_001323029.2); short protein forms I101V.
Identifiers: ClinVar variation 2739828 (VCV002739828.3), dbSNP rs2530431737, ClinGen allele CA355884917.
Genomic context (GRCh38, chr3:197,954,139, plus strand): 5'-AGTGGCATGGTTCGTGCCAAATTCCGAAGCAATCTTCCTGCTAAGGCCATTGGACACAGA[A>G]TCCGAGTGGTGAGTATGGTTTTTAGCAAAATGGACGTCTGATGAATCAGACTAGGTTCAA-3'
Protein context (NP_000987.2, residues 91-110): NLPAKAIGHR[Ile101Val]RVMLYPSRI

ClinVar aggregate classification (germline): Uncertain significance (1 of 4 stars; one submission).

Conditions:
Diamond-Blackfan anemia 5 (DBA5). Also called: RPL35A-Related Diamond-Blackfan Anemia. Identifiers: Orphanet 124, MedGen C2675859, MONDO:0012925, OMIM 612528.

Submission:

Labcorp Genetics (formerly Invitae), Labcorp
Classification: Uncertain significance for Diamond-Blackfan anemia 5. Last evaluated: 2022-12-26. Review status: criteria provided, single submitter. Criteria: Invitae Variant Classification Sherloc (09022015). Collection method: clinical testing. Allele origin: germline.
Comment: In summary, the available evidence is currently insufficient to determine the role of this variant in disease. Therefore, it has been classified as a Variant of Uncertain Significance. Algorithms developed to predict the effect of missense changes on protein structure and function (SIFT, PolyPhen-2, Align-GVGD) all suggest that this variant is likely to be tolerated. This variant has not been reported in the literature in individuals affected with RPL35A-related conditions. This variant is not present in population databases (gnomAD no frequency). This sequence change replaces isoleucine, which is neutral and non-polar, with valine, which is neutral and non-polar, at codon 101 of the RPL35A protein (p.Ile101Val).